The following is an entry in ClinVar:

NM_015346.4(ZFYVE26):c.1417dup (p.Asp473fs)

Gene: ZFYVE26 (zinc finger FYVE-type containing 26; minus strand). Cytogenetic location: 14q24.1.
Variant type: Duplication.
Coding change: c.1417dup on transcript NM_015346.4 (MANE Select); coding-DNA position 1417, one base duplicated (G; older notation c.1417dupG).
Protein change: p.Asp473fs; shifts the reading frame from aspartic acid 473.
Molecular consequence: frameshift variant.
Genome position (GRCh38, 1-based): chr14:67,804,119, C duplicated on the plus strand (G on the coding strand, the reverse complement: ZFYVE26 is on the minus strand); the first of 2 consecutive C bases (chr14:67,804,119-67,804,120); duplicating either gives the same sequence. VCF-style (leftmost placement, unchanged base first): chr14-67804118-T-TC. GRCh37 (hg19) VCF-style: chr14-68270835-T-TC.
Other names: short protein forms D473fs.
Identifiers: ClinVar variation 5012889 (VCV005012889.1).

ClinVar aggregate classification (germline): Pathogenic (1 of 4 stars; one submission).

Conditions:
Hereditary spastic paraplegia 15 (SPG15). Also called: SPASTIC PARAPLEGIA 15, AUTOSOMAL RECESSIVE; KJELLIN SYNDROME; SPASTIC PARAPLEGIA AND RETINAL DEGENERATION. Identifiers: Orphanet 100996, MedGen C1849128, MONDO:0010044, OMIM 270700.

Submission:

Myriad Genetics, Inc.
Classification: Pathogenic for Hereditary spastic paraplegia 15. Last evaluated: 2024-04-03. Review status: criteria provided, single submitter. Criteria: Myriad Autosomal Dominant, Autosomal Recessive and X-Linked Classification Criteria (2023). Collection method: clinical testing. Allele origin: unknown.
Comment: NM_015346.3(ZFYVE26):c.1417dupG(D473Gfs*7) is expected to be pathogenic in the context of spastic paraplegia type 15. This variant is predicted to lead to an abnormal or absent protein product due to the creation of a premature termination codon in ZFYVE26, a gene where loss-of-function variants are known to be pathogenic. Please note: this variant was assessed in the context of healthy population screening.